The following is an entry in ClinVar:

NM_001018113.3(FANCB):c.2435A>G (p.Tyr812Cys)

Gene: FANCB (FA complementation group B; minus strand). Cytogenetic location: Xp22.2.
Variant type: single nucleotide variant.
Coding change: c.2435A>G on transcript NM_001018113.3 (MANE Select); coding-DNA position 2435, A replaced by G.
Protein change: p.Tyr812Cys; replaces tyrosine 812 with cysteine.
Molecular consequence: missense variant.
Genome position (GRCh38, 1-based): chrX:14,843,712, T>C on the plus strand (A>G on the coding strand, the complement: FANCB is on the minus strand). VCF-style: chrX-14843712-T-C. GRCh37 (hg19) VCF-style: chrX-14861834-T-C.
Other names: c.2435A>G, p.Tyr812Cys (NM_001324162.2, NM_152633.4); short protein forms Y812C.
Identifiers: ClinVar variation 517761 (VCV000517761.13), dbSNP rs780116069, ClinGen allele CA10352914.

ClinVar aggregate classification (germline): Benign/Likely benign. Review status: criteria provided, multiple submitters, no conflicts (2 of 4 stars). 4 submissions from 4 submitters: Benign (2); Likely benign (2). Last evaluated 2026-01-26.

Conditions:
Fanconi anemia (FA). Also called: Fanconi's anemia. Identifiers: Orphanet 84, MedGen C0015625, MeSH D005199, MONDO:0019391.

Allele frequency attached by ClinVar (database versions not stated): gnomAD 0.00003 and 0.00008; TOPMed 0.00003; gnomAD exomes 0.00019 and 0.00038; 1000 Genomes Project 30x 0.00042; ExAC 0.00046; 1000 Genomes Project 0.00053.
gnomAD v4.1: 218 of 1,209,386 alleles (0.018%); highest among the groups gnomAD compares: South Asian, 0.29%; no homozygotes.

Submissions (4):

Labcorp Genetics (formerly Invitae), Labcorp
Classification: Benign for Fanconi anemia. Last evaluated: 2026-01-26. Review status: criteria provided, single submitter. Criteria: Invitae Variant Classification Sherloc (09022015). Collection method: clinical testing. Allele origin: germline.

Sema4
Classification: Likely benign for Fanconi anemia. Last evaluated: 2022-01-14. Review status: criteria provided, single submitter. Criteria: Sema4 Curation Guidelines. Collection method: curation. Allele origin: germline.

Genetic Services Laboratory, University of Chicago
Classification: Benign. Last evaluated: 2018-11-07. Review status: criteria provided, single submitter. Criteria: ACMG Guidelines, 2015. Collection method: clinical testing. Allele origin: germline. Affected: no.

GeneDx
Classification: Likely benign. Last evaluated: 2017-02-14. Review status: criteria provided, single submitter. Criteria: GeneDx Variant Classification (06012015). Collection method: clinical testing. Allele origin: germline. Affected: yes.
Comment: This variant is considered likely benign or benign based on one or more of the following criteria: it is a conservative change, it occurs at a poorly conserved position in the protein, it is predicted to be benign by multiple in silico algorithms, and/or has population frequency not consistent with disease.